The following is an entry in ClinVar:

ClinVar aggregate classification (germline): Uncertain significance (1 of 4 stars; one submission).

gnomAD v4.1: 2 of 1,613,892 alleles (0.00012%); highest among the groups gnomAD compares: South Asian, 0.0011%; no homozygotes.

Submission:

Mayo Clinic Laboratories, Mayo Clinic
Classification: Uncertain significance. Last evaluated: 2024-02-13. Review status: criteria provided, single submitter. Criteria: ACMG Guidelines, 2015. Collection method: clinical testing. Allele origin: germline. Observed: 1 variant allele.
Comment: PM2

NM_016035.5(COQ4):c.308C>A (p.Pro103His)

Gene: COQ4 (coenzyme Q4; plus strand). Cytogenetic location: 9q34.11.
Variant type: single nucleotide variant.
Coding change: c.308C>A on transcript NM_016035.5 (MANE Select); coding-DNA position 308, C replaced by A.
Protein change: p.Pro103His; replaces proline 103 with histidine.
Molecular consequence: missense variant.
Genome position (GRCh38, 1-based): chr9:128,325,787, C>A. VCF-style: chr9-128325787-C-A. GRCh37 (hg19) VCF-style: chr9-131088066-C-A.
Other names: p.Pro103His; c.211C>A, p.Pro71Thr (NM_001305942.2); short protein forms P103H, P71T.
Identifiers: ClinVar variation 3379899 (VCV003379899.1).